The following is an entry in ClinVar:

ClinVar aggregate classification (germline): Uncertain significance. Review status: criteria provided, multiple submitters, no conflicts (2 of 4 stars). 4 submissions from 4 submitters: Uncertain significance (4). Last evaluated 2026-08-22.

Conditions:
Hypercholesterolemia, autosomal dominant, 3 (FHCL3). Also called: Familial Hypercholesterolemia, Autosomal Dominant, 3; PCSK9-Related Familial Hypercholesterolemia, Autosomal Dominant; Familial hypercholesterolemia 3. Identifiers: MedGen C1863551, MONDO:0011369, OMIM 603776.
Familial hypercholesterolemia. Also called: Familial hypercholesterolaemia; Familial hypercholesterolemias. Identifiers: MedGen C0020445, MONDO:0005439.
Cardiovascular phenotype. Identifiers: MedGen CN230736.

Allele frequency attached by ClinVar (database versions not stated): gnomAD exomes 0.00002.
gnomAD v4.1: 30 of 1,606,254 alleles (0.0019%); highest among the groups gnomAD compares: Non-Finnish European, 0.0025%; no homozygotes.

Submissions (4):

Ambry Genetics
Classification: Uncertain significance for Cardiovascular phenotype. Last evaluated: 2026-08-22. Review status: criteria provided, single submitter. Criteria: Ambry Variant Classification Scheme 2023. Collection method: clinical testing. Allele origin: germline.
Comment: The p.G291D variant (also known as c.872G>A), located in coding exon 6 of the PCSK9 gene, results from a G to A substitution at nucleotide position 872. The glycine at codon 291 is replaced by aspartic acid, an amino acid with similar properties. This amino acid position is conserved. In addition, this alteration is predicted to be deleterious by in silico analysis. Based on the available evidence, the clinical significance of this variant remains unclear.

Labcorp Genetics (formerly Invitae), Labcorp
Classification: Uncertain significance for Hypercholesterolemia, autosomal dominant, 3. Last evaluated: 2024-08-01. Review status: criteria provided, single submitter. Criteria: Invitae Variant Classification Sherloc (09022015). Collection method: clinical testing. Allele origin: germline.
Comment: This sequence change replaces glycine, which is neutral and non-polar, with aspartic acid, which is acidic and polar, at codon 291 of the PCSK9 protein (p.Gly291Asp). The frequency data for this variant in the population databases is considered unreliable, as metrics indicate poor data quality at this position in the gnomAD database. This variant has not been reported in the literature in individuals affected with PCSK9-related conditions. Advanced modeling of protein sequence and biophysical properties (such as structural, functional, and spatial information, amino acid conservation, physicochemical variation, residue mobility, and thermodynamic stability) performed at Invitae indicates that this missense variant is expected to disrupt PCSK9 protein function with a positive predictive value of 80%. In summary, the available evidence is currently insufficient to determine the role of this variant in disease. Therefore, it has been classified as a Variant of Uncertain Significance.

All of Us Research Program, National Institutes of Health
Classification: Uncertain significance for Hypercholesterolemia, autosomal dominant, 3. Last evaluated: 2024-05-09. Review status: criteria provided, single submitter. Criteria: ACMG Guidelines, 2015. Collection method: clinical testing. Allele origin: germline. Inheritance: Autosomal dominant inheritance. Observed: 3 variant alleles, 3 heterozygotes.
Comment: This missense variant replaces glycine with aspartic acid at codon 291 of the PCSK9 protein. Computational prediction tools indicate that this variant has a deleterious impact on protein structure and function. To our knowledge, functional studies have not been reported for this variant. This variant has not been reported in individuals affected with PCSK9-related disorders in the literature. This variant has been identified in 1/238004 chromosomes in the general population by the Genome Aggregation Database (gnomAD). The available evidence is insufficient to determine the role of this variant in disease conclusively. Therefore, this variant is classified as a Variant of Uncertain Significance.

This study involves interpretation of variants in research participants for the purpose of population health screening. Participant phenotype was not available at the time of variant classification. Additional details can be found in publication PMID: 35346344, PMCID: PMC8962531

Color Diagnostics, LLC DBA Color Health
Classification: Uncertain significance for Familial hypercholesterolemia. Last evaluated: 2023-11-22. Review status: criteria provided, single submitter. Criteria: ACMG Guidelines, 2015. Collection method: clinical testing. Allele origin: germline.
Comment: This missense variant replaces glycine with aspartic acid at codon 291 of the PCSK9 protein. Computational prediction tools indicate that this variant has a deleterious impact on protein structure and function. To our knowledge, functional studies have not been reported for this variant. This variant has not been reported in individuals affected with PCSK9-related disorders in the literature. This variant has been identified in 1/238004 chromosomes in the general population by the Genome Aggregation Database (gnomAD). The available evidence is insufficient to determine the role of this variant in disease conclusively. Therefore, this variant is classified as a Variant of Uncertain Significance.

NM_174936.4(PCSK9):c.872G>A (p.Gly291Asp)

Gene: PCSK9 (proprotein convertase subtilisin/kexin type 9; plus strand). Cytogenetic location: 1p32.3.
Variant type: single nucleotide variant.
Coding change: c.872G>A on transcript NM_174936.4 (MANE Select); coding-DNA position 872, G replaced by A.
Protein change: p.Gly291Asp; replaces glycine 291 with aspartic acid.
Molecular consequence: missense variant. On other transcripts: non-coding transcript variant (8).
Genome position (GRCh38, 1-based): chr1:55,056,065, G>A. VCF-style: chr1-55056065-G-A. GRCh37 (hg19) VCF-style: chr1-55521738-G-A.
Other names: c.995G>A, p.Gly332Asp (NM_001407240.1); c.872G>A, p.Gly291Asp (NM_001407241.1, NM_001407244.1, NM_001407247.1); c.875G>A, p.Gly292Asp (NM_001407242.1); c.815G>A, p.Gly272Asp (NM_001407243.1); c.680G>A, p.Gly227Asp (NM_001407245.1); c.497G>A, p.Gly166Asp (NM_001407246.1); short protein forms G166D, G227D, G272D, G291D, G292D, G332D.
Identifiers: ClinVar variation 3075070 (VCV003075070.5), dbSNP rs1261031081, ClinGen allele CA340474565.